The following is an entry in ClinVar:

NM_004168.4(SDHA):c.17G>A (p.Gly6Asp)

Gene: SDHA (succinate dehydrogenase complex flavoprotein subunit A; plus strand). Cytogenetic location: 5p15.33.
Variant type: single nucleotide variant.
Coding change: c.17G>A on transcript NM_004168.4 (MANE Select); coding-DNA position 17, G replaced by A.
Protein change: p.Gly6Asp; replaces glycine 6 with aspartic acid.
Molecular consequence: missense variant.
Genome position (GRCh38, 1-based): chr5:218,372, G>A. VCF-style: chr5-218372-G-A. GRCh37 (hg19) VCF-style: chr5-218487-G-A.
Other names: p.Gly6Asp; c.17G>A, p.Gly6Asp (NM_001294332.2, NM_001330758.2); short protein forms G6D.
Identifiers: ClinVar variation 224952 (VCV000224952.56), dbSNP rs187964306, ClinGen allele CA358571.

ClinVar aggregate classification (germline): Conflicting classifications of pathogenicity. Review status: criteria provided, conflicting classifications (1 of 4 stars). 15 submissions from 13 submitters: Uncertain significance (2); Benign (8); Likely benign (4). 1 of the submissions does not count toward it. Last evaluated 2026-10-01.

Conditions:
Hereditary cancer-predisposing syndrome. Also called: Neoplastic Syndromes, Hereditary; Tumor predisposition; Hereditary Cancer Syndrome; Hereditary neoplastic syndrome. Identifiers: Orphanet 140162, MedGen C0027672, MeSH D009386, MONDO:0015356.
Pheochromocytoma/paraganglioma syndrome 5. Also called: SDHA-Related Hereditary Paraganglioma-Pheochromocytoma Syndrome; Paragangliomas 5. Identifiers: Orphanet 29072, MedGen C3279992, MONDO:0013602, OMIM 614165.
Mitochondrial complex II deficiency, nuclear type 1. Also called: SUCCINATE CoQ REDUCTASE DEFICIENCY. Identifiers: Orphanet 3208, MedGen C5700310, MONDO:0100294, OMIM 252011.
Hereditary pheochromocytoma and paraganglioma. Also called: Hereditary paragangliomas and pheochromocytomas; Hereditary Paraganglioma-Pheochromocytoma Syndromes; Hereditary pheochromocytoma-paraganglioma. Identifiers: Orphanet 29072, MedGen C4274332, MONDO:0017366.
Leigh syndrome (NULS). Also called: Leigh Disease; Subacute necrotizing encephalopathy; Necrotizing encephalopathy infantile subacute of Leigh; Leigh's syndrome; LEIGH SYNDROME, NUCLEAR; Leigh Syndrome (mtDNA deletion). Identifiers: Orphanet 506, MedGen C2931891, MONDO:0009723, OMIM 256000.
Neurodegeneration with ataxia and late-onset optic atrophy. Identifiers: MedGen C5543254, MONDO:0031006, OMIM 619259.
Dilated cardiomyopathy 1GG (CMD1GG). Identifiers: Orphanet 154, MedGen C3150898, MONDO:0013339, OMIM 613642.

Allele frequency attached by ClinVar (database versions not stated): 1000 Genomes Project 0.00399; ESP Exome Variant Server 0.00538; gnomAD 0.00549 and 0.00596; TOPMed 0.00603; 1000 Genomes Project 30x 0.00609.
gnomAD v4.1: 1,492 of 1,457,028 alleles (0.1%); highest among the groups gnomAD compares: African/African-American, 1.9%; 11 homozygotes.

Submissions (15):

CeGaT Center for Human Genetics Tuebingen
Classification: Likely benign. Last evaluated: 2026-10-01. Review status: criteria provided, single submitter. Criteria: CeGaT Center For Human Genetics Tuebingen Variant Classification Criteria Version 2. Collection method: clinical testing. Allele origin: germline. Affected: yes. Observed: 6 variant alleles.
Comment: SDHA: BS1

Labcorp Genetics (formerly Invitae), Labcorp
Classification: Benign for Pheochromocytoma/paraganglioma syndrome 5; Mitochondrial complex II deficiency, nuclear type 1. Last evaluated: 2026-02-04. Review status: criteria provided, single submitter. Criteria: Invitae Variant Classification Sherloc (09022015). Collection method: clinical testing. Allele origin: germline.

Mayo Clinic Laboratories, Mayo Clinic
Classification: Benign. Last evaluated: 2025-09-23. Review status: criteria provided, single submitter. Criteria: ACMG Guidelines, 2015. Collection method: clinical testing. Allele origin: germline. Observed: 6 variant alleles.
Comment: BA1, BP4_moderate

Quest Diagnostics Nichols Institute San Juan Capistrano
Classification: Benign. Last evaluated: 2025-05-29. Review status: criteria provided, single submitter. Criteria: Quest Diagnostics criteria. Collection method: clinical testing. Allele origin: unknown.

Blueprint Genetics
Classification: Likely benign. Last evaluated: 2024-10-24. Review status: criteria provided, single submitter. Criteria: ACMG Guidelines, 2015. Collection method: clinical testing. Allele origin: germline.

Myriad Genetics, Inc.
Classification: Uncertain significance for Pheochromocytoma/paraganglioma syndrome 5. Last evaluated: 2023-04-24. Review status: criteria provided, single submitter. Criteria: Myriad Autosomal Dominant, Autosomal Recessive and X-Linked Classification Criteria (2023). Collection method: clinical testing. Allele origin: unknown.
Comment: This variant is classified as a variant of uncertain significance as there is insufficient evidence to determine its impact on protein function and/or cancer risk.

Department of Pathology and Laboratory Medicine, Sinai Health System
Classification: Benign for Mitochondrial complex II deficiency, nuclear type 1; Dilated cardiomyopathy 1GG; Pheochromocytoma/paraganglioma syndrome 5; Neurodegeneration with ataxia and late-onset optic atrophy. Last evaluated: 2023-03-03. Review status: criteria provided, single submitter. Criteria: ACMG Guidelines, 2015. Collection method: clinical testing. Allele origin: germline. Affected: no.

GeneDx
Classification: Likely benign. Last evaluated: 2021-09-29. Review status: criteria provided, single submitter. Criteria: GeneDx Variant Classification Process June 2021. Collection method: clinical testing. Allele origin: germline. Affected: yes.
Comment: This variant is associated with the following publications: (PMID: 25801821)

Illumina Laboratory Services, Illumina
Classification: Uncertain significance for Mitochondrial complex II deficiency, nuclear type 1. Last evaluated: 2018-01-13. Review status: criteria provided, single submitter. Criteria: ICSL Variant Classification Criteria 13 December 2019. Collection method: clinical testing. Allele origin: germline.

Illumina Laboratory Services, Illumina
Classification: Benign for Hereditary Paraganglioma-Pheochromocytoma Syndromes. Last evaluated: 2018-01-13. Review status: criteria provided, single submitter. Criteria: ICSL Variant Classification Criteria 13 December 2019. Collection method: clinical testing. Allele origin: germline.
Comment: This variant was observed in the ICSL laboratory as part of a predisposition screen in an ostensibly healthy population. It had not been previously curated by ICSL or reported in the Human Gene Mutation Database (HGMD: prior to June 1st, 2018), and was therefore a candidate for classification through an automated scoring system. Utilizing variant allele frequency, disease prevalence and penetrance estimates, and inheritance mode, an automated score was calculated to assess if this variant is too frequent to cause the disease. Based on the score and internal cut-off values, a variant classified as benign is not then subjected to further curation. The score for this variant resulted in a classification of benign for this disease.

Illumina Laboratory Services, Illumina
Classification: Benign for Leigh syndrome. Last evaluated: 2018-01-13. Review status: criteria provided, single submitter. Criteria: ICSL Variant Classification Criteria 13 December 2019. Collection method: clinical testing. Allele origin: germline.
Comment: the same text as in the submission from Illumina Laboratory Services, Illumina above.

Center for Pediatric Genomic Medicine, Children's Mercy Hospital and Clinics
Classification: Likely benign. Last evaluated: 2015-10-27. Review status: criteria provided, single submitter. Criteria: ACMG Guidelines, 2015. Collection method: clinical testing. Allele origin: germline.
ClinVar note: Converted during submission from Likely Benign to Likely benign.

Ambry Genetics
Classification: Benign for Hereditary cancer-predisposing syndrome. Last evaluated: 2015-02-03. Review status: criteria provided, single submitter. Criteria: Ambry Variant Classification Scheme 2023. Collection method: clinical testing. Allele origin: germline.

PreventionGenetics, part of Exact Sciences
Classification: Benign. Review status: criteria provided, single submitter. Criteria: ACMG Guidelines, 2015. Collection method: clinical testing. Allele origin: germline.

Counsyl
Classification: Benign for Pheochromocytoma/paraganglioma syndrome 5. Last evaluated: 2015-12-09. Review status: no assertion criteria provided. Collection method: clinical testing. Allele origin: unknown. Not counted in ClinVar's aggregate classification.

Literature cited by the submitters: PubMed 39321216 (cited by Mayo Clinic Laboratories, Mayo Clinic); PubMed 36315513 (cited by Quest Diagnostics Nichols Institute San Juan Capistrano).